The following is an entry in ClinVar:

ClinVar aggregate classification (germline): Conflicting classifications of pathogenicity. Review status: criteria provided, conflicting classifications (1 of 4 stars). 2 submissions from 2 submitters: Uncertain significance (1); Benign (1). Last evaluated 2022-08-01.

Conditions:
Cleidocranial dysostosis (CLCD1). Also called: Marie-Sainton disease; Cleidocranial Dysplasia Spectrum Disorder; cleidocranial dysplasia 1. Identifiers: Orphanet 1452, MedGen C0008928, MONDO:0007340, OMIM 119600.

Allele frequency attached by ClinVar (database versions not stated): 1000 Genomes Project 30x 0.00016; TOPMed 0.00049; gnomAD 0.00056 and 0.00059.

Submissions (2):

CeGaT Center for Human Genetics Tuebingen
Classification: Benign. Last evaluated: 2022-08-01. Review status: criteria provided, single submitter. Criteria: CeGaT Center For Human Genetics Tuebingen Variant Classification Criteria Version 2. Collection method: clinical testing. Allele origin: germline. Affected: yes. Observed: 1 variant allele.
Comment: RUNX2: BS1, BS2

Illumina Laboratory Services, Illumina
Classification: Uncertain significance for Cleidocranial dysostosis. Last evaluated: 2018-01-17. Review status: criteria provided, single submitter. Criteria: ICSL Variant Classification Criteria 13 December 2019. Collection method: clinical testing. Allele origin: germline.

NM_001024630.4(RUNX2):c.*2619A>G

Gene: RUNX2 (RUNX family transcription factor 2; plus strand). Cytogenetic location: 6p21.1.
Variant type: single nucleotide variant.
Coding change: c.*2619A>G on transcript NM_001024630.4 (MANE Select); 2619 bases downstream of the stop codon, A replaced by G.
Molecular consequence: 3 prime UTR variant.
Genome position (GRCh38, 1-based): chr6:45,549,924, A>G. VCF-style: chr6-45549924-A-G. GRCh37 (hg19) VCF-style: chr6-45517661-A-G.
Other names: c.*2619A>G (NM_001015051.4, NM_001278478.2, NM_001369405.1).
Identifiers: ClinVar variation 910268 (VCV000910268.28), dbSNP rs554964716, ClinGen allele CA138460991.